The following is an entry in ClinVar:

NM_005227.3(EFNA4):c.372C>T (p.Phe124=)

Genes: ADAM15-EFNA4 (ADAM15-EFNA4 readthrough; plus strand), EFNA4 (ephrin A4; plus strand), EFNA4-EFNA3 (EFNA4-EFNA3 readthrough; plus strand). Cytogenetic location: 1q21.3.
Variant type: single nucleotide variant.
Coding change: c.372C>T on transcript NM_005227.3 (MANE Select); coding-DNA position 372, C replaced by T.
Protein change: p.Phe124=; no amino-acid change (phenylalanine 124 retained).
Molecular consequence: synonymous variant.
Genome position (GRCh38, 1-based): chr1:155,066,988, C>T. VCF-style: chr1-155066988-C-T. GRCh37 (hg19) VCF-style: chr1-155039464-C-T.
Other names: c.372C>T, p.Phe124= (NM_182689.2, NM_182690.3).
Identifiers: ClinVar variation 710307 (VCV000710307.34), dbSNP rs114301457, ClinGen allele CA1137615.

ClinVar aggregate classification (germline): Benign/Likely benign. Review status: criteria provided, multiple submitters, no conflicts (2 of 4 stars). 3 submissions from 3 submitters: Benign (2); Likely benign (1). Last evaluated 2026-01-26.

Allele frequency attached by ClinVar (database versions not stated): 1000 Genomes Project 30x 0.00203; 1000 Genomes Project 0.00220; TOPMed 0.00314; ESP Exome Variant Server 0.00331; gnomAD 0.00444 and 0.00465; ExAC 0.00498.

Submissions (3):

Labcorp Genetics (formerly Invitae), Labcorp
Classification: Benign. Last evaluated: 2026-01-26. Review status: criteria provided, single submitter. Criteria: Invitae Variant Classification Sherloc (09022015). Collection method: clinical testing. Allele origin: germline.

CeGaT Center for Human Genetics Tuebingen
Classification: Likely benign. Last evaluated: 2023-03-01. Review status: criteria provided, single submitter. Criteria: CeGaT Center For Human Genetics Tuebingen Variant Classification Criteria Version 2. Collection method: clinical testing. Allele origin: germline. Affected: yes. Observed: 1 variant allele.
Comment: EFNA4: BP4, BP7, BS2

Breakthrough Genomics
Classification: Benign. Review status: criteria provided, single submitter. Criteria: ACMG Guidelines, 2015. Collection method: not provided. Allele origin: germline. Inheritance: Unknown mechanism. Affected: yes.